The following is an entry in ClinVar:

ClinVar aggregate classification (germline): Uncertain significance (1 of 4 stars; one submission).

gnomAD v4.1: 2 of 1,614,150 alleles (0.00012%); highest among the groups gnomAD compares: Non-Finnish European, 0.00017%; no homozygotes.

Submission:

Labcorp Genetics (formerly Invitae), Labcorp
Classification: Uncertain significance. Last evaluated: 2023-11-27. Review status: criteria provided, single submitter. Criteria: Invitae Variant Classification Sherloc (09022015). Collection method: clinical testing. Allele origin: germline.
Comment: This sequence change replaces asparagine, which is neutral and polar, with lysine, which is basic and polar, at codon 278 of the MS4A1 protein (p.Asn278Lys). This variant is not present in population databases (gnomAD no frequency). This variant has not been reported in the literature in individuals affected with MS4A1-related conditions. ClinVar contains an entry for this variant (Variation ID: 2110336). An algorithm developed to predict the effect of missense changes on protein structure and function (PolyPhen-2) suggests that this variant is likely to be disruptive. In summary, the available evidence is currently insufficient to determine the role of this variant in disease. Therefore, it has been classified as a Variant of Uncertain Significance.

NM_152866.3(MS4A1):c.834C>A (p.Asn278Lys)

Gene: MS4A1 (membrane spanning 4-domains A1; plus strand). Cytogenetic location: 11q12.2.
Variant type: single nucleotide variant.
Coding change: c.834C>A on transcript NM_152866.3 (MANE Select); coding-DNA position 834, C replaced by A.
Protein change: p.Asn278Lys; replaces asparagine 278 with lysine.
Molecular consequence: missense variant.
Genome position (GRCh38, 1-based): chr11:60,468,408, C>A. VCF-style: chr11-60468408-C-A. GRCh37 (hg19) VCF-style: chr11-60235881-C-A.
Other names: c.834C>A, p.Asn278Lys (NM_021950.4, NM_152867.2); short protein forms N278K.
Identifiers: ClinVar variation 2110336 (VCV002110336.4), dbSNP rs2086313543, ClinGen allele CA380601202.